The following is an entry in ClinVar:

ClinVar aggregate classification (germline): Uncertain significance. Review status: criteria provided, multiple submitters, no conflicts (2 of 4 stars). 2 submissions from 2 submitters: Uncertain significance (2). Last evaluated 2025-01-06.

Conditions:
ATP1A3-related disorder. Also called: ATP1A3-related disorders; ATP1A3-related condition. Identifiers: MedGen CN381097.

Submissions (2):

PreventionGenetics, part of Exact Sciences
Classification: Uncertain significance for ATP1A3-related condition. Last evaluated: 2025-01-06. Review status: criteria provided, single submitter. Criteria: ACMG Guidelines, 2015. Collection method: clinical testing. Allele origin: germline.
Comment: The ATP1A3 c.2999T>C variant is predicted to result in the amino acid substitution p.Leu1000Pro. To our knowledge, this variant has not been reported in the literature or in a large population database (gnomAD), indicating this variant is rare. At this time, the clinical significance of this variant is uncertain due to the absence of conclusive functional and genetic evidence.

GeneDx
Classification: Uncertain significance. Last evaluated: 2022-04-14. Review status: criteria provided, single submitter. Criteria: GeneDx Variant Classification Process June 2021. Collection method: clinical testing. Allele origin: germline. Affected: yes.
Comment: Not observed at significant frequency in large population cohorts (gnomAD); In silico analysis supports that this missense variant has a deleterious effect on protein structure/function; Has not been previously published as pathogenic or benign to our knowledge

NM_152296.5(ATP1A3):c.2960T>C (p.Leu987Pro)

Gene: ATP1A3 (ATPase Na+/K+ transporting subunit alpha 3; minus strand). Cytogenetic location: 19q13.2.
Variant type: single nucleotide variant.
Coding change: c.2960T>C on transcript NM_152296.5 (MANE Select); coding-DNA position 2960, T replaced by C.
Protein change: p.Leu987Pro; replaces leucine 987 with proline.
Molecular consequence: missense variant.
Genome position (GRCh38, 1-based): chr19:41,967,302, A>G on the plus strand (T>C on the coding strand, the complement: ATP1A3 is on the minus strand). VCF-style: chr19-41967302-A-G. GRCh37 (hg19) VCF-style: chr19-42471454-A-G.
Other names: c.2993T>C, p.Leu998Pro (NM_001256213.2); c.2999T>C, p.Leu1000Pro (NM_001256214.2); c.2999T>C (NM_001256214.1); short protein forms L1000P, L987P, L998P.
Identifiers: ClinVar variation 1676862 (VCV001676862.3), dbSNP rs2145941381, ClinGen allele CA406035126.